The following is an entry in ClinVar:

NM_004444.5(EPHB4):c.1548del (p.Phe518fs)

Gene: EPHB4 (EPH receptor B4; minus strand). Cytogenetic location: 7q22.1.
Variant type: Deletion.
Coding change: c.1548del on transcript NM_004444.5 (MANE Select); coding-DNA position 1548, one base deleted (G; older notation c.1548delG).
Protein change: p.Phe518fs; shifts the reading frame from phenylalanine 518.
Molecular consequence: frameshift variant.
Genome position (GRCh38, 1-based): chr7:100,817,232, C deleted on the plus strand (G on the coding strand, the reverse complement: EPHB4 is on the minus strand); the first of 3 consecutive C bases (chr7:100,817,232-100,817,234); deleting any one gives the same sequence. VCF-style (leftmost placement, unchanged base first): chr7-100817231-GC-G. GRCh37 (hg19) VCF-style: chr7-100414853-GC-G.
Other names: short protein forms F518fs.
Identifiers: ClinVar variation 2020695 (VCV002020695.4), dbSNP rs2485028164, ClinGen allele CA2580076006.
Genomic context (GRCh38, chr7:100,817,231, plus strand): 5'-CACCCCCTTCCCCAGGCTCACCATCCAGTTGGGTCTGGCTGTGATGTTCCTGGCCGAAGG[GC>G]CCGTAGCCGGCCTCAGAGCGCGCCCGTACCTGCACCAGGTAGCTGGCTCCCCGCTTCAGC-3'

ClinVar aggregate classification (germline): Pathogenic (1 of 4 stars; one submission).

Submission:

Labcorp Genetics (formerly Invitae), Labcorp
Classification: Pathogenic. Last evaluated: 2022-09-20. Review status: criteria provided, single submitter. Criteria: Invitae Variant Classification Sherloc (09022015). Collection method: clinical testing. Allele origin: germline.
Comment: This variant is not present in population databases (gnomAD no frequency). For these reasons, this variant has been classified as Pathogenic. This variant has not been reported in the literature in individuals affected with EPHB4-related conditions. This sequence change creates a premature translational stop signal (p.Phe518Serfs*23) in the EPHB4 gene. It is expected to result in an absent or disrupted protein product. Loss-of-function variants in EPHB4 are known to be pathogenic (PMID: 28687708).

Literature cited by the submitters: PubMed 28687708.